The following is an entry in ClinVar:

NC_000008.11:g.(?_99096312)_(99148010_?)del

Gene: VPS13B (vacuolar protein sorting 13 homolog B; plus strand). Cytogenetic location: 8q22.2.
Variant type: Deletion.
Identifiers: ClinVar variation 831436 (VCV000831436.6).

ClinVar aggregate classification (germline): Uncertain significance (1 of 4 stars; one submission).

Conditions:
Cohen syndrome (COH1). Also called: Cutis verticis gyrata, retinitis pigmentosa, and sensorineural deafness; PEPPER SYNDROME. Identifiers: Orphanet 193, MedGen C0265223, MONDO:0008999, OMIM 216550.

Submission:

Labcorp Genetics (formerly Invitae), Labcorp
Classification: Uncertain significance for Cohen syndrome. Last evaluated: 2022-03-17. Review status: criteria provided, single submitter. Criteria: Invitae Variant Classification Sherloc (09022015). Collection method: clinical testing. Allele origin: germline.
Comment: In summary, the available evidence is currently insufficient to determine the role of this variant in disease. Therefore, it has been classified as a Variant of Uncertain Significance. This variant disrupts a region of the VPS13B protein in which other variant(s) (p.Trp185Arg) have been observed in individuals with VPS13B-related conditions (PMID: 29758347). This suggests that this is a clinically significant region of the protein, and that variants that disrupt it are likely to be disease-causing. This variant has not been reported in the literature in individuals affected with VPS13B-related conditions. This variant is a gross deletion of the genomic region encompassing exon(s) 4-14 of the VPS13B gene. This variant would be expected to be in-frame, preserving the integrity of the reading frame.

Literature cited by the submitters: PubMed 29758347.